The following is an entry in ClinVar:

ClinVar aggregate classification (germline): Uncertain significance (1 of 4 stars; one submission).

Conditions:
Hereditary hyperekplexia. Identifiers: Orphanet 3197, MedGen C4084968, MONDO:0021022.

Submission:

Labcorp Genetics (formerly Invitae), Labcorp
Classification: Uncertain significance for Hereditary hyperekplexia. Last evaluated: 2021-12-02. Review status: criteria provided, single submitter. Criteria: Invitae Variant Classification Sherloc (09022015). Collection method: clinical testing. Allele origin: germline.
Comment: This variant has not been reported in the literature in individuals affected with GLRA1-related conditions. This variant is not present in population databases (gnomAD no frequency). This sequence change replaces glycine, which is neutral and non-polar, with aspartic acid, which is acidic and polar, at codon 379 of the GLRA1 protein (p.Gly379Asp). Advanced modeling of protein sequence and biophysical properties (such as structural, functional, and spatial information, amino acid conservation, physicochemical variation, residue mobility, and thermodynamic stability) performed at Invitae indicates that this missense variant is not expected to disrupt GLRA1 protein function. In summary, the available evidence is currently insufficient to determine the role of this variant in disease. Therefore, it has been classified as a Variant of Uncertain Significance.

NM_000171.4(GLRA1):c.1136G>A (p.Gly379Asp)

Gene: GLRA1 (glycine receptor alpha 1; minus strand). Cytogenetic location: 5q33.1.
Variant type: single nucleotide variant.
Coding change: c.1136G>A on transcript NM_000171.4 (MANE Select); coding-DNA position 1136, G replaced by A.
Protein change: p.Gly379Asp; replaces glycine 379 with aspartic acid.
Molecular consequence: missense variant.
Genome position (GRCh38, 1-based): chr5:151,822,887, C>T on the plus strand (G>A on the coding strand, the complement: GLRA1 is on the minus strand). VCF-style: chr5-151822887-C-T. GRCh37 (hg19) VCF-style: chr5-151202448-C-T.
Other names: c.1160G>A, p.Gly387Asp (NM_001146040.2); c.887G>A, p.Gly296Asp (NM_001292000.2); short protein forms G387D, G296D, G379D.
Identifiers: ClinVar variation 1377907 (VCV001377907.6), dbSNP rs2113277098, ClinGen allele CA361850224.